The following is an entry in ClinVar:

ClinVar aggregate classification (germline): Uncertain significance. Review status: criteria provided, multiple submitters, no conflicts (2 of 4 stars). 2 submissions from 2 submitters: Uncertain significance (2). Last evaluated 2025-08-12.

Conditions:
Inborn genetic diseases. Identifiers: MedGen C0950123, MeSH D030342.
Short-rib thoracic dysplasia 8 with or without polydactyly (SRTD8). Also called: SHORT-RIB THORACIC DYSPLASIA 8 WITH POLYDACTYLY. Identifiers: Orphanet 93271, MedGen C3809691, MONDO:0014214, OMIM 615503.

Allele frequency attached by ClinVar (database versions not stated): ExAC 0.00004; TOPMed below 0.00001; gnomAD 0.00001; gnomAD exomes 0.00002.
gnomAD v4.1: 23 of 1,551,690 alleles (0.0015%); highest among the groups gnomAD compares: Non-Finnish European, 0.0019%; no homozygotes.

Submissions (2):

Ambry Genetics
Classification: Uncertain significance for Inborn genetic diseases. Last evaluated: 2025-08-12. Review status: criteria provided, single submitter. Criteria: Ambry Variant Classification Scheme 2023. Collection method: clinical testing. Allele origin: germline.

Labcorp Genetics (formerly Invitae), Labcorp
Classification: Uncertain significance for Short-rib thoracic dysplasia 8 with or without polydactyly. Last evaluated: 2022-06-29. Review status: criteria provided, single submitter. Criteria: Invitae Variant Classification Sherloc (09022015). Collection method: clinical testing. Allele origin: germline.
Comment: This sequence change replaces isoleucine, which is neutral and non-polar, with threonine, which is neutral and polar, at codon 924 of the WDR60 protein (p.Ile924Thr). This variant is present in population databases (rs759720933, gnomAD 0.004%). This variant has not been reported in the literature in individuals affected with WDR60-related conditions. Algorithms developed to predict the effect of missense changes on protein structure and function are either unavailable or do not agree on the potential impact of this missense change (SIFT: "Deleterious"; PolyPhen-2: "Possibly Damaging"; Align-GVGD: "Class C0"). In summary, the available evidence is currently insufficient to determine the role of this variant in disease. Therefore, it has been classified as a Variant of Uncertain Significance.

NM_018051.5(DYNC2I1):c.2771T>C (p.Ile924Thr)

Gene: DYNC2I1 (dynein 2 intermediate chain 1; plus strand). Cytogenetic location: 7q36.3.
Variant type: single nucleotide variant.
Coding change: c.2771T>C on transcript NM_018051.5 (MANE Select); coding-DNA position 2771, T replaced by C.
Protein change: p.Ile924Thr; replaces isoleucine 924 with threonine.
Molecular consequence: missense variant.
Genome position (GRCh38, 1-based): chr7:158,934,542, T>C. VCF-style: chr7-158934542-T-C. GRCh37 (hg19) VCF-style: chr7-158727233-T-C.
Other names: c.2771T>C (NM_018051.4); c.2633T>C, p.Ile878Thr (NM_001350914.2); c.2198T>C, p.Ile733Thr (NM_001350915.2); c.1310T>C, p.Ile437Thr (NM_001350916.2); c.1523T>C, p.Ile508Thr (NM_001350917.2, NM_001350918.2); short protein forms I508T, I878T, I924T, I437T, I733T.
Identifiers: ClinVar variation 1957507 (VCV001957507.3), dbSNP rs759720933, ClinGen allele CA4595081.